The following is an entry in ClinVar:

NM_001042492.3(NF1):c.2631G>T (p.Met877Ile)

Gene: NF1 (neurofibromin 1; plus strand). Cytogenetic location: 17q11.2.
Variant type: single nucleotide variant.
Coding change: c.2631G>T on transcript NM_001042492.3 (MANE Select); coding-DNA position 2631, G replaced by T.
Protein change: p.Met877Ile; replaces methionine 877 with isoleucine.
Molecular consequence: missense variant.
Genome position (GRCh38, 1-based): chr17:31,229,246, G>T. VCF-style: chr17-31229246-G-T. GRCh37 (hg19) VCF-style: chr17-29556264-G-T.
Other names: c.2631G>T, p.Met877Ile (NM_000267.4); short protein forms M877I.
Identifiers: ClinVar variation 821610 (VCV000821610.9), dbSNP rs1597715515, ClinGen allele CA398984570.

ClinVar aggregate classification (germline): Uncertain significance. Review status: criteria provided, multiple submitters, no conflicts (2 of 4 stars). 2 submissions from 2 submitters: Uncertain significance (2). Last evaluated 2024-10-02.

Conditions:
Neurofibromatosis, type 1 (NF1). Also called: Peripheral type neurofibromatosis; Neurofibromatosis, type I; NEUROFIBROMATOSIS, TYPE I, SOMATIC; VON RECKLINGHAUSEN DISEASE. Identifiers: Orphanet 636, MedGen C0027831, MONDO:0018975, OMIM 162200. Disease mechanism: loss of function.
Hereditary cancer-predisposing syndrome. Also called: Hereditary Cancer Syndrome; Neoplastic Syndromes, Hereditary; Hereditary neoplastic syndrome; Tumor predisposition. Identifiers: Orphanet 140162, MedGen C0027672, MeSH D009386, MONDO:0015356.
Cardiovascular phenotype. Identifiers: MedGen CN230736.

Submissions (2):

Labcorp Genetics (formerly Invitae), Labcorp
Classification: Uncertain significance for Neurofibromatosis, type 1. Last evaluated: 2024-10-02. Review status: criteria provided, single submitter. Criteria: Invitae Variant Classification Sherloc (09022015). Collection method: clinical testing. Allele origin: germline.
Comment: This sequence change replaces methionine, which is neutral and non-polar, with isoleucine, which is neutral and non-polar, at codon 877 of the NF1 protein (p.Met877Ile). This variant is not present in population databases (gnomAD no frequency). This variant has not been reported in the literature in individuals affected with NF1-related conditions. ClinVar contains an entry for this variant (Variation ID: 821610). Invitae Evidence Modeling of protein sequence and biophysical properties (such as structural, functional, and spatial information, amino acid conservation, physicochemical variation, residue mobility, and thermodynamic stability) indicates that this missense variant is not expected to disrupt NF1 protein function with a negative predictive value of 95%. In summary, the available evidence is currently insufficient to determine the role of this variant in disease. Therefore, it has been classified as a Variant of Uncertain Significance.

Ambry Genetics
Classification: Uncertain significance for Cardiovascular phenotype; Hereditary cancer-predisposing syndrome. Last evaluated: 2018-08-09. Review status: criteria provided, single submitter. Criteria: Ambry Variant Classification Scheme 2023. Collection method: clinical testing. Allele origin: germline.
Comment: The p.M877I variant (also known as c.2631G>T), located in coding exon 21 of the NF1 gene, results from a G to T substitution at nucleotide position 2631. The methionine at codon 877 is replaced by isoleucine, an amino acid with highly similar properties. This amino acid position is well conserved in available vertebrate species. In addition, the in silico prediction for this alteration is inconclusive. Since supporting evidence is limited at this time, the clinical significance of this alteration remains unclear.